The following is an entry in ClinVar:

ClinVar aggregate classification (germline): Uncertain significance (1 of 4 stars; one submission).

Allele frequency attached by ClinVar (database versions not stated): gnomAD exomes 0.00001; ExAC 0.00002; gnomAD 0.00006; 1000 Genomes Project 30x 0.00031; 1000 Genomes Project 0.00040.
gnomAD v4.1: 28 of 1,614,156 alleles (0.0017%); highest among the groups gnomAD compares: African/African-American, 0.0067%; no homozygotes.

Submission:

Labcorp Genetics (formerly Invitae), Labcorp
Classification: Uncertain significance. Last evaluated: 2024-08-12. Review status: criteria provided, single submitter. Criteria: Invitae Variant Classification Sherloc (09022015). Collection method: clinical testing. Allele origin: germline.
Comment: This sequence change replaces arginine, which is basic and polar, with tryptophan, which is neutral and slightly polar, at codon 829 of the ADAMTS17 protein (p.Arg829Trp). This variant is present in population databases (rs540550126, gnomAD 0.01%). This variant has not been reported in the literature in individuals affected with ADAMTS17-related conditions. ClinVar contains an entry for this variant (Variation ID: 1902240). An algorithm developed to predict the effect of missense changes on protein structure and function (PolyPhen-2) suggests that this variant is likely to be disruptive. In summary, the available evidence is currently insufficient to determine the role of this variant in disease. Therefore, it has been classified as a Variant of Uncertain Significance.

NM_139057.4(ADAMTS17):c.2485C>T (p.Arg829Trp)

Gene: ADAMTS17 (ADAM metallopeptidase with thrombospondin type 1 motif 17; minus strand). Cytogenetic location: 15q26.3.
Variant type: single nucleotide variant.
Coding change: c.2485C>T on transcript NM_139057.4 (MANE Select); coding-DNA position 2485, C replaced by T.
Protein change: p.Arg829Trp; replaces arginine 829 with tryptophan.
Molecular consequence: missense variant.
Genome position (GRCh38, 1-based): chr15:100,048,963, G>A on the plus strand (C>T on the coding strand, the complement: ADAMTS17 is on the minus strand). VCF-style: chr15-100048963-G-A. GRCh37 (hg19) VCF-style: chr15-100589168-G-A.
Other names: short protein forms R829W.
Identifiers: ClinVar variation 1902240 (VCV001902240.5), dbSNP rs540550126, ClinGen allele CA7757700.